The following is an entry in ClinVar:

ClinVar aggregate classification (germline): Pathogenic (1 of 4 stars; one submission).

Conditions:
Multiple congenital anomalies-hypotonia-seizures syndrome 1 (MCAHS1). Also called: PIGN-CDG; Congenital disorder of glycosylation due to PIGN deficiency; GLYCOSYLPHOSPHATIDYLINOSITOL BIOSYNTHESIS DEFECT 3. Identifiers: Orphanet 280633, MedGen C3279775, MONDO:0013563, OMIM 614080.

Submission:

Labcorp Genetics (formerly Invitae), Labcorp
Classification: Pathogenic for Multiple congenital anomalies-hypotonia-seizures syndrome 1. Last evaluated: 2023-12-30. Review status: criteria provided, single submitter. Criteria: Invitae Variant Classification Sherloc (09022015). Collection method: clinical testing. Allele origin: germline.
Comment: This sequence change creates a premature translational stop signal (p.Leu306Phefs*18) in the PIGN gene. It is expected to result in an absent or disrupted protein product. Loss-of-function variants in PIGN are known to be pathogenic (PMID: 24253414, 27038415). This variant is not present in population databases (gnomAD no frequency). This variant has not been reported in the literature in individuals affected with PIGN-related conditions. For these reasons, this variant has been classified as Pathogenic.

Literature cited by the submitters: PubMed 24253414; PubMed 27038415.

NM_176787.5(PIGN):c.917dup (p.Leu306fs)

Gene: PIGN (phosphatidylinositol glycan anchor biosynthesis class N; minus strand). Cytogenetic location: 18q21.33.
Variant type: Duplication.
Coding change: c.917dup on transcript NM_176787.5 (MANE Select); coding-DNA position 917, one base duplicated (T; older notation c.917dupT).
Protein change: p.Leu306fs; shifts the reading frame from leucine 306.
Molecular consequence: frameshift variant.
Genome position (GRCh38, 1-based): chr18:62,145,914, A duplicated on the plus strand (T on the coding strand, the reverse complement: PIGN is on the minus strand); the first of 5 consecutive A bases (chr18:62,145,914-62,145,918); duplicating any one gives the same sequence. VCF-style (leftmost placement, unchanged base first): chr18-62145913-C-CA. GRCh37 (hg19) VCF-style: chr18-59813146-C-CA.
Other names: c.917dup, p.Leu306fs (NM_012327.6); short protein forms L306fs.
Identifiers: ClinVar variation 2985983 (VCV002985983.3), dbSNP rs2513914766, ClinGen allele CA2642055139.